The following is an entry in ClinVar:

ClinVar aggregate classification (germline): Uncertain significance. Review status: criteria provided, multiple submitters, no conflicts (2 of 4 stars). 2 submissions from 2 submitters: Uncertain significance (2). Last evaluated 2025-01-24.

Conditions:
Deficiency of galactokinase. Also called: GALACTOSEMIA II; Galactokinase deficiency with cataracts. Identifiers: Orphanet 352, Orphanet 79237, MedGen C0268155, MONDO:0009255, OMIM 230200.

Allele frequency attached by ClinVar (database versions not stated): gnomAD 0.00001; TOPMed 0.00001; ExAC 0.00003.
gnomAD v4.1: 14 of 1,595,958 alleles (0.00088%); highest among the groups gnomAD compares: African/African-American, 0.0013%; no homozygotes.

Submissions (2):

Women's Health and Genetics/Laboratory Corporation of America, LabCorp
Classification: Uncertain significance. Last evaluated: 2025-01-24. Review status: criteria provided, single submitter. Criteria: LabCorp Variant Classification Summary - May 2015. Collection method: clinical testing. Allele origin: germline.
Comment: Variant summary: GALK1 c.203G>T (p.Arg68Leu) results in a non-conservative amino acid change in the encoded protein sequence. Three of five in-silico tools predict a benign effect of the variant on protein function. The variant allele was found at a frequency of 2.3e-05 in 215866 control chromosomes. The available data on variant occurrences in the general population are insufficient to allow any conclusion about variant significance. c.203G>T has been reported in the literature in the complex compound heterozygous state in at least 1 individual affected with newborn screening results consistent with transient Deficiency Of Galactokinase (example, Maroulis_2023), without strong evidence for causality. These report(s) do not provide unequivocal conclusions about association of the variant with Deficiency Of Galactokinase. To our knowledge, no experimental evidence demonstrating an impact on protein function has been reported. The following publication has been ascertained in the context of this evaluation (PMID: 38090149). ClinVar contains an entry for this variant (Variation ID: 891335). Based on the evidence outlined above, the variant was classified as uncertain significance.

Illumina Laboratory Services, Illumina
Classification: Uncertain significance for Deficiency of galactokinase. Last evaluated: 2017-04-27. Review status: criteria provided, single submitter. Criteria: ICSL Variant Classification Criteria 13 December 2019. Collection method: clinical testing. Allele origin: germline.

Literature cited by the submitters: PubMed 38090149 (cited by Women's Health and Genetics/Laboratory Corporation of America, LabCorp).

NM_000154.2(GALK1):c.203G>T (p.Arg68Leu)

Gene: GALK1 (galactokinase 1; minus strand). Cytogenetic location: 17q25.1.
Variant type: single nucleotide variant.
Coding change: c.203G>T on transcript NM_000154.2 (MANE Select); coding-DNA position 203, G replaced by T.
Protein change: p.Arg68Leu; replaces arginine 68 with leucine.
Molecular consequence: missense variant.
Genome position (GRCh38, 1-based): chr17:75,764,049, C>A on the plus strand (G>T on the coding strand, the complement: GALK1 is on the minus strand). VCF-style: chr17-75764049-C-A. GRCh37 (hg19) VCF-style: chr17-73760130-C-A.
Other names: short protein forms R68L.
Identifiers: ClinVar variation 891335 (VCV000891335.6), dbSNP rs754230597, ClinGen allele CA8771028.